The following is an entry in ClinVar:

ClinVar aggregate classification (germline): Conflicting classifications of pathogenicity. Review status: criteria provided, conflicting classifications (1 of 4 stars). 8 submissions from 8 submitters: Uncertain significance (6); Likely benign (1). 1 of the submissions does not count toward it. Last evaluated 2025-10-27.

Conditions:
Hereditary breast ovarian cancer syndrome. Also called: Hereditary breast and ovarian cancer syndrome; Hereditary breast and ovarian cancer; Hereditary breast and ovarian cancer syndrome (HBOC); Breast and ovarian cancer; Hereditary breast and/or ovarian cancer syndrome; BRCA1- and BRCA2-Associated Hereditary Breast and Ovarian Cancer. Identifiers: Orphanet 145, MedGen C0677776, MeSH D061325, MONDO:0003582. Disease mechanism: loss of function.
Breast-ovarian cancer, familial, susceptibility to, 2 (BROVCA2). Also called: BRCA2 Hereditary Breast and Ovarian Cancer. Identifiers: Orphanet 145, MedGen C2675520, MONDO:0012933, OMIM 612555. Disease mechanism: loss of function.
Hereditary cancer-predisposing syndrome. Also called: Neoplastic Syndromes, Hereditary; Tumor predisposition; Hereditary Cancer Syndrome; Hereditary neoplastic syndrome. Identifiers: Orphanet 140162, MedGen C0027672, MeSH D009386, MONDO:0015356.

gnomAD v4.1: 2 of 1,608,472 alleles (0.00012%); highest among the groups gnomAD compares: Non-Finnish European, 0.00017%; no homozygotes.

Submissions (8):

Labcorp Genetics (formerly Invitae), Labcorp
Classification: Uncertain significance for Hereditary breast ovarian cancer syndrome. Last evaluated: 2025-10-27. Review status: criteria provided, single submitter. Criteria: Invitae Variant Classification Sherloc (09022015). Collection method: clinical testing. Allele origin: germline.
Comment: This sequence change replaces histidine, which is basic and polar, with arginine, which is basic and polar, at codon 595 of the BRCA2 protein (p.His595Arg). This variant is not present in population databases (gnomAD no frequency). This missense change has been observed in individual(s) with clinical features of BRCA2-related conditions (PMID: 10923033). ClinVar contains an entry for this variant (Variation ID: 51191). Invitae Evidence Modeling of protein sequence and biophysical properties (such as structural, functional, and spatial information, amino acid conservation, physicochemical variation, residue mobility, and thermodynamic stability) indicates that this missense variant is not expected to disrupt BRCA2 protein function with a negative predictive value of 95%. In summary, the available evidence is currently insufficient to determine the role of this variant in disease. Therefore, it has been classified as a Variant of Uncertain Significance.

Color Diagnostics, LLC DBA Color Health
Classification: Uncertain significance for Hereditary cancer-predisposing syndrome. Last evaluated: 2025-06-24. Review status: criteria provided, single submitter. Criteria: ACMG Guidelines, 2015. Collection method: clinical testing. Allele origin: germline.
Comment: This missense variant replaces histidine with arginine at codon 595 of the BRCA2 protein. Computational prediction suggests that this variant may not impact protein structure and function. To our knowledge, functional studies have not been reported for this variant. This variant has not been reported in individuals affected with BRCA2-related disorders in the literature. This variant has not been identified in the general population by the Genome Aggregation Database (gnomAD). The available evidence is insufficient to determine the role of this variant in disease conclusively. Therefore, this variant is classified as a Variant of Uncertain Significance.

Ambry Genetics
Classification: Uncertain significance for Hereditary cancer-predisposing syndrome. Last evaluated: 2024-10-25. Review status: criteria provided, single submitter. Criteria: Ambry Variant Classification Scheme 2023. Collection method: clinical testing. Allele origin: germline.
Comment: The p.H595R variant (also known as c.1784A>G), located in coding exon 9 of the BRCA2 gene, results from an A to G substitution at nucleotide position 1784. The histidine at codon 595 is replaced by arginine, an amino acid with highly similar properties. This amino acid position is poorly conserved in available vertebrate species. In addition, this alteration is predicted to be tolerated by in silico analysis. Since supporting evidence is limited at this time, the clinical significance of this alteration remains unclear.

Quest Diagnostics Nichols Institute San Juan Capistrano
Classification: Uncertain significance. Last evaluated: 2024-07-17. Review status: criteria provided, single submitter. Criteria: Quest Diagnostics criteria. Collection method: clinical testing. Allele origin: unknown.
Comment: This variant has not been reported in large, multi-ethnic general populations (Genome Aggregation Database). Analysis of this variant using bioinformatics tools for the prediction of the effect of amino acid changes on protein structure and function yielded predictions that this variant is benign. Based on the available information, we are unable to determine the clinical significance of this variant.

University of Washington Department of Laboratory Medicine, University of Washington
Classification: Likely benign for Hereditary cancer-predisposing syndrome. Last evaluated: 2023-03-23. Review status: criteria provided, single submitter. Criteria: Dines et al. (Genet Med. 2020). Collection method: curation. Allele origin: germline.
Comment: Missense variant in a coldspot region where missense variants are very unlikely to be pathogenic (PMID:31911673).

BRCA2 exon 10 coldspot. Reclassification based on statistical prior probability.

Sema4
Classification: Uncertain significance for Hereditary cancer-predisposing syndrome. Last evaluated: 2022-03-07. Review status: criteria provided, single submitter. Criteria: Sema4 Curation Guidelines. Collection method: curation. Allele origin: germline.
Comment: To the best of our knowledge, the BRCA2 c.1784A>G (p.H595R) variant has not been reported in individuals with BRCA2-related disease, but was reported in one healthy individual (PMID: 32467295). It was not observed in the large and broad cohorts of the Genome Aggregation Database (PMID: 32461654). This variant has been reported in ClinVar (Variation ID 51191). Functional studies have not been performed, and in silico predictions of the variant's effect on protein function are inconclusive. The evidence is insufficient to meet ACMG/AMP criteria for classifying the variant as benign or pathogenic. Thus, the clinical significance of this variant is currently uncertain.

Women's Health and Genetics/Laboratory Corporation of America, LabCorp
Classification: Uncertain significance. Last evaluated: 2016-08-08. Review status: criteria provided, single submitter. Criteria: LabCorp Variant Classification Summary - May 2015. Collection method: clinical testing. Allele origin: germline.
Comment: Variant summary: The BRCA2 c.1784A>G (p.His595Arg) variant involves the alteration of a non-conserved nucleotide. 3/5 in silico tools predict a benign outcome for this variant. This variant is absent in 119028 control chromosomes. The variant of interest has not, to our knowledge, been reported in affected individuals via publications nor evaluated for functional impact by in vivo/vitro studies. One clinical diagnostic laboratories/reputable databases has classified this variant as a VUS. Because of the absence of clinical information and the lack of functional studies, the variant is classified as a variant of uncertain significance (VUS) until additional information becomes available.

Breast Cancer Information Core (BIC) (BRCA2)
Classification: Uncertain significance for Breast-ovarian cancer, familial 2. Last evaluated: 2003-12-23. Review status: no assertion criteria provided. Collection method: clinical testing. Allele origin: germline. Affected: yes. Observed: 1 variant allele. Not counted in ClinVar's aggregate classification.

Literature cited by the submitters: PubMed 10923033 (cited by Labcorp Genetics (formerly Invitae), Labcorp); PubMed 32467295 (cited by Quest Diagnostics Nichols Institute San Juan Capistrano and Sema4); PubMed 31911673 (cited by Quest Diagnostics Nichols Institute San Juan Capistrano).

NM_000059.4(BRCA2):c.1784A>G (p.His595Arg)

Gene: BRCA2 (BRCA2 DNA repair associated; plus strand). Cytogenetic location: 13q13.1.
Variant type: single nucleotide variant.
Coding change: c.1784A>G on transcript NM_000059.4 (MANE Select); coding-DNA position 1784, A replaced by G.
Protein change: p.His595Arg; replaces histidine 595 with arginine.
Molecular consequence: missense variant.
Genome position (GRCh38, 1-based): chr13:32,333,262, A>G. VCF-style: chr13-32333262-A-G. GRCh37 (hg19) VCF-style: chr13-32907399-A-G.
Other names: short protein forms H595R.
Identifiers: ClinVar variation 51191 (VCV000051191.26), dbSNP rs80358460, ClinGen allele CA013206.